The following is an entry in ClinVar:

ClinVar aggregate classification (germline): Uncertain significance. Review status: criteria provided, multiple submitters, no conflicts (2 of 4 stars). 3 submissions from 3 submitters: Uncertain significance (3). Last evaluated 2023-09-22.

Conditions:
SAMD9-related disorder. Also called: SAMD9-related condition.

Allele frequency attached by ClinVar (database versions not stated): TOPMed 0.00003.

Submissions (3):

Women's Health and Genetics/Laboratory Corporation of America, LabCorp
Classification: Uncertain significance. Last evaluated: 2023-09-22. Review status: criteria provided, single submitter. Criteria: LabCorp Variant Classification Summary - May 2015. Collection method: clinical testing. Allele origin: germline.
Comment: Variant summary: SAMD9 c.3000T>A (p.Tyr1000X) results in a premature termination codon, which is not expected to result in nonsense mediated decay but is predicted to cause a truncation of the encoded protein. However the molecular mechanism of disease attributed to SAMD9 is gain-of-function. The variant was absent in 251006 control chromosomes (gnomAD). The available data on variant occurrences in the general population are insufficient to allow any conclusion about variant significance. To our knowledge, no occurrence of c.3000T>A in individuals affected with MIRAGE Syndrome and no experimental evidence demonstrating its impact on protein function have been reported. One submitter has cited clinical-significance assessments for this variant to ClinVar after 2014 and has classified the variant as uncertain significance. Based on the evidence outlined above, the variant was classified as uncertain significance.

PreventionGenetics, part of Exact Sciences
Classification: Uncertain significance for SAMD9-related condition. Last evaluated: 2022-11-10. Review status: criteria provided, single submitter. Criteria: ACMG Guidelines, 2015. Collection method: clinical testing. Allele origin: germline.
Comment: The SAMD9 c.3000T>A variant is predicted to result in premature protein termination (p.Tyr1000*). To our knowledge, this variant has not been reported in the literature or in a large population database, indicating this variant is rare. Although we suspect that this variant may be pathogenic, at this time, the clinical significance of this variant is uncertain due to the absence of conclusive functional and genetic evidence.

Labcorp Genetics (formerly Invitae), Labcorp
Classification: Uncertain significance. Last evaluated: 2021-09-21. Review status: criteria provided, single submitter. Criteria: Invitae Variant Classification Sherloc (09022015). Collection method: clinical testing. Allele origin: germline.
Comment: This sequence change creates a premature translational stop signal (p.Tyr1000*) in the SAMD9 gene. While this is not anticipated to result in nonsense mediated decay, it is expected to disrupt the last 590 amino acid(s) of the SAMD9 protein. This variant is not present in population databases (ExAC no frequency). This variant has not been reported in the literature in individuals affected with SAMD9-related conditions. Experimental studies and prediction algorithms are not available or were not evaluated, and the functional significance of this variant is currently unknown. In summary, the available evidence is currently insufficient to determine the role of this variant in disease. Therefore, it has been classified as a Variant of Uncertain Significance.

NM_017654.4(SAMD9):c.3000T>A (p.Tyr1000Ter)

Gene: SAMD9 (sterile alpha motif domain containing 9; minus strand). Cytogenetic location: 7q21.2.
Variant type: single nucleotide variant.
Coding change: c.3000T>A on transcript NM_017654.4 (MANE Select); coding-DNA position 3000, T replaced by A.
Protein change: p.Tyr1000Ter; replaces tyrosine 1000 with a stop codon.
Molecular consequence: nonsense.
Genome position (GRCh38, 1-based): chr7:93,103,098, A>T on the plus strand (T>A on the coding strand, the complement: SAMD9 is on the minus strand). VCF-style: chr7-93103098-A-T. GRCh37 (hg19) VCF-style: chr7-92732411-A-T.
Other names: c.3000T>A, p.Tyr1000Ter (NM_001193307.2); c.3000T>A (NM_017654.3); short protein forms Y1000*.
Identifiers: ClinVar variation 1409991 (VCV001409991.4), dbSNP rs1428124013, ClinGen allele CA368189063.